The following is an entry in ClinVar:

ClinVar aggregate classification (germline): Likely benign (1 of 4 stars; one submission).

Submission:

CeGaT Center for Human Genetics Tuebingen
Classification: Likely benign. Last evaluated: 2026-04-01. Review status: criteria provided, single submitter. Criteria: CeGaT Center For Human Genetics Tuebingen Variant Classification Criteria Version 2. Collection method: clinical testing. Allele origin: germline. Affected: yes. Observed: 1 variant allele.
Comment: CCDC88A: BP4, BP7

NM_001365480.1(CCDC88A):c.164+12763C>T

Gene: CCDC88A (coiled-coil and HOOK domain protein 88A; minus strand). Cytogenetic location: 2p16.1.
Variant type: single nucleotide variant.
Coding change: c.164+12763C>T on transcript NM_001365480.1 (MANE Select); 12763 bases into the intron after coding-DNA position 164, C replaced by T.
Molecular consequence: intron variant.
Genome position (GRCh38, 1-based): chr2:55,406,053, G>A on the plus strand (C>T on the coding strand, the complement: CCDC88A is on the minus strand). VCF-style: chr2-55406053-G-A. GRCh37 (hg19) VCF-style: chr2-55633189-G-A.
Other names: c.164+12763C>T (NM_001254943.2, NM_001135597.2, NM_018084.5).
Identifiers: ClinVar variation 4873476 (VCV004873476.2).
Genomic context (GRCh38, chr2:55,406,053, plus strand): 5'-ACTAAAAATACAAAAAATTAGCTAGCTGTGGTGGCACGCGCTGTAGTCCCAGCAACTCAG[G>A]ATGCTGAGGCAGGAGAATTGCTTGAATCCGGGAGGTGGAGGTTGCAGTGAGCCAAGATCG-3'